The following is an entry in ClinVar:

NM_000388.4(CASR):c.2533A>C (p.Ser845Arg)

Gene: CASR (calcium sensing receptor; plus strand). Cytogenetic location: 3q21.1.
Variant type: single nucleotide variant.
Coding change: c.2533A>C on transcript NM_000388.4 (MANE Select); coding-DNA position 2533, A replaced by C.
Protein change: p.Ser845Arg; replaces serine 845 with arginine.
Molecular consequence: missense variant.
Genome position (GRCh38, 1-based): chr3:122,284,487, A>C. VCF-style: chr3-122284487-A-C. GRCh37 (hg19) VCF-style: chr3-122003334-A-C.
Other names: c.2563A>C, p.Ser855Arg (NM_001178065.2); short protein forms S845R, S855R.
Identifiers: ClinVar variation 644116 (VCV000644116.9), dbSNP rs1576878096, ClinGen allele CA354160190.

ClinVar aggregate classification (germline): Uncertain significance (1 of 4 stars; one submission).

Conditions:
Autosomal dominant hypocalcemia 1 (HYPOC1). Also called: HYPOCALCEMIA, FAMILIAL. Identifiers: MedGen C3715128, MONDO:0011013, OMIM 601198.
Familial hypocalciuric hypercalcemia (FHH). Also called: Familial benign hypercalcemia. Identifiers: Orphanet 405, MedGen C1809471, MONDO:0018458.

Submission:

Labcorp Genetics (formerly Invitae), Labcorp
Classification: Uncertain significance for Familial hypocalciuric hypercalcemia; Autosomal dominant hypocalcemia 1. Last evaluated: 2018-12-21. Review status: criteria provided, single submitter. Criteria: Invitae Variant Classification Sherloc (09022015). Collection method: clinical testing. Allele origin: germline.
Comment: In summary, the available evidence is currently insufficient to determine the role of this variant in disease. Therefore, it has been classified as a Variant of Uncertain Significance. Algorithms developed to predict the effect of missense changes on protein structure and function are either unavailable or do not agree on the potential impact of this missense change (SIFT: "Deleterious"; PolyPhen-2: "Probably Damaging"; Align-GVGD: "Class C0"). This variant has not been reported in the literature in individuals with CASR-related disease. This variant is not present in population databases (ExAC no frequency). This sequence change replaces serine with arginine at codon 845 of the CASR protein (p.Ser845Arg). The serine residue is highly conserved and there is a moderate physicochemical difference between serine and arginine.